The following is an entry in ClinVar:

NM_015374.3(SUN2):c.520G>C (p.Gly174Arg)

Gene: SUN2 (Sad1 and UNC84 domain containing 2; minus strand). Cytogenetic location: 22q13.1.
Variant type: single nucleotide variant.
Coding change: c.520G>C on transcript NM_015374.3 (MANE Select); coding-DNA position 520, G replaced by C.
Protein change: p.Gly174Arg; replaces glycine 174 with arginine.
Molecular consequence: missense variant.
Genome position (GRCh38, 1-based): chr22:38,750,225, C>G on the plus strand (G>C on the coding strand, the complement: SUN2 is on the minus strand). VCF-style: chr22-38750225-C-G. GRCh37 (hg19) VCF-style: chr22-39146230-C-G.
Other names: c.583G>C, p.Gly195Arg (NM_001199579.2); c.520G>C, p.Gly174Arg (NM_001199580.2); short protein forms G174R, G195R.
Identifiers: ClinVar variation 659282 (VCV000659282.10), dbSNP rs1390604251, ClinGen allele CA411586313.

ClinVar aggregate classification (germline): Uncertain significance (1 of 4 stars; one submission).

Conditions:
Emery-Dreifuss muscular dystrophy (EDMD). Also called: Scapuloperoneal syndrome, X-linked (formerly); Humeroperoneal neuromuscular disease, (formerly). Identifiers: Orphanet 261, MedGen C0410189, MONDO:0016830.

gnomAD v4.1: 1 of 1,609,770 alleles (0.000062%); highest among the groups gnomAD compares: Admixed American, 0.0017%; no homozygotes.

Submission:

Labcorp Genetics (formerly Invitae), Labcorp
Classification: Uncertain significance for Emery-Dreifuss muscular dystrophy. Last evaluated: 2024-08-06. Review status: criteria provided, single submitter. Criteria: Invitae Variant Classification Sherloc (09022015). Collection method: clinical testing. Allele origin: germline.
Comment: This sequence change replaces glycine, which is neutral and non-polar, with arginine, which is basic and polar, at codon 174 of the SUN2 protein (p.Gly174Arg). This variant also falls at the last nucleotide of exon 5, which is part of the consensus splice site for this exon. This variant is not present in population databases (gnomAD no frequency). This variant has not been reported in the literature in individuals affected with SUN2-related conditions. ClinVar contains an entry for this variant (Variation ID: 659282). An algorithm developed to predict the effect of missense changes on protein structure and function (PolyPhen-2) suggests that this variant is likely to be disruptive. Variants that disrupt the consensus splice site are a relatively common cause of aberrant splicing (PMID: 17576681, 9536098). Algorithms developed to predict the effect of sequence changes on RNA splicing suggest that this variant may disrupt the consensus splice site. In summary, the available evidence is currently insufficient to determine the role of this variant in disease. Therefore, it has been classified as a Variant of Uncertain Significance.

Literature cited by the submitters: PubMed 17576681; PubMed 9536098.